The following is an entry in ClinVar:

NM_005378.6(MYCN):c.1208C>G (p.Thr403Arg)

Gene: MYCN (MYCN proto-oncogene, bHLH transcription factor; plus strand). Cytogenetic location: 2p24.3.
Variant type: single nucleotide variant.
Coding change: c.1208C>G on transcript NM_005378.6 (MANE Select); coding-DNA position 1208, C replaced by G.
Protein change: p.Thr403Arg; replaces threonine 403 with arginine.
Molecular consequence: missense variant. On other transcripts: 3 prime UTR variant (1).
Genome position (GRCh38, 1-based): chr2:15,945,910, C>G. VCF-style: chr2-15945910-C-G. GRCh37 (hg19) VCF-style: chr2-16086032-C-G.
Other names: c.1208C>G, p.Thr403Arg (NM_001293228.2); c.575C>G, p.Thr192Arg (NM_001293231.2); c.*1143C>G (NM_001293233.2); short protein forms T192R, T403R.
Identifiers: ClinVar variation 4848657 (VCV004848657.1).
Genomic context (GRCh38, chr2:15,945,910, plus strand): 5'-GCAGAAACCACAACATCCTGGAGCGCCAGCGCCGCAACGACCTTCGGTCCAGCTTTCTCA[C>G]GCTCAGGGACCACGTGCCGGAGTTGGTAAAGAATGAGAAGGCCGCCAAGGTGGTCATTTT-3'
Protein context (NP_005369.2, residues 393-413): RRNDLRSSFL[Thr403Arg]LRDHVPELVK

ClinVar aggregate classification (germline): Uncertain significance (1 of 4 stars; one submission).

Submission:

Women's Health and Genetics/Laboratory Corporation of America, LabCorp
Classification: Uncertain significance. Last evaluated: 2026-04-28. Review status: criteria provided, single submitter. Criteria: LabCorp Variant Classification Summary - May 2015. Collection method: clinical testing. Allele origin: germline.
Comment: Variant summary: MYCN c.1208C>G (p.Thr403Arg) results in a non-conservative amino acid change in the encoded protein sequence. Algorithms developed to predict the effect of missense changes on protein structure and function all suggest that this variant is likely to be disruptive. The variant was absent in 251296 control chromosomes. The available data on variant occurrences in the general population are insufficient to allow any conclusion about variant significance. To our knowledge, no occurrence of c.1208C>G in individuals affected with MYCN-related conditions and no experimental evidence demonstrating its impact on protein function have been reported. No submitters have cited clinical-significance assessments for this variant to ClinVar. Based on the evidence outlined above, the variant was classified as uncertain significance.